The following is an entry in ClinVar:

ClinVar aggregate classification (germline): Benign. Review status: criteria provided, multiple submitters, no conflicts (2 of 4 stars). 6 submissions from 6 submitters: Benign (6). Last evaluated 2023-05-01.

Conditions:
Autosomal dominant nonsyndromic hearing loss 56. Also called: Deafness, autosomal dominant 56. Identifiers: Orphanet 90635, MedGen C3810170, MONDO:0014283, OMIM 615629.

Allele frequency attached by ClinVar (database versions not stated): 1000 Genomes Project 30x 0.00625; 1000 Genomes Project 0.00639; TOPMed 0.00898; gnomAD exomes 0.00906; gnomAD 0.00976 and 0.00984; ExAC 0.00990; ESP Exome Variant Server 0.01261.
gnomAD v4.1: 18,000 of 1,613,418 alleles (1.1%); highest among the groups gnomAD compares: Non-Finnish European, 1.3%; 129 homozygotes.

Submissions (6):

CeGaT Center for Human Genetics Tuebingen
Classification: Benign. Last evaluated: 2023-05-01. Review status: criteria provided, single submitter. Criteria: CeGaT Center For Human Genetics Tuebingen Variant Classification Criteria Version 2. Collection method: clinical testing. Allele origin: germline. Affected: yes. Observed: 6 variant alleles.
Comment: TNC: BP4, BS1, BS2

Genome-Nilou Lab
Classification: Benign for Autosomal dominant nonsyndromic hearing loss 56. Last evaluated: 2022-03-15. Review status: criteria provided, single submitter. Criteria: ACMG Guidelines, 2015. Collection method: clinical testing. Allele origin: germline. Affected: no.

Labcorp Genetics (formerly Invitae), Labcorp
Classification: Benign. Last evaluated: 2019-12-31. Review status: criteria provided, single submitter. Criteria: Invitae Variant Classification Sherloc (09022015). Collection method: clinical testing. Allele origin: germline.

Athena Diagnostics
Classification: Benign. Last evaluated: 2019-01-25. Review status: criteria provided, single submitter. Criteria: Athena Diagnostics Criteria. Collection method: clinical testing. Allele origin: germline.

GeneDx
Classification: Benign. Last evaluated: 2019-01-14. Review status: criteria provided, single submitter. Criteria: GeneDx Variant Classification Process June 2021. Collection method: clinical testing. Allele origin: germline. Affected: yes.

Breakthrough Genomics
Classification: Benign. Review status: criteria provided, single submitter. Criteria: ACMG Guidelines, 2015. Collection method: not provided. Allele origin: germline. Inheritance: Autosomal dominant inheritance. Affected: yes.

NM_002160.4(TNC):c.1642G>A (p.Val548Met)

Gene: TNC (tenascin C; minus strand). Cytogenetic location: 9q33.1.
Variant type: single nucleotide variant.
Coding change: c.1642G>A on transcript NM_002160.4 (MANE Select); coding-DNA position 1642, G replaced by A.
Protein change: p.Val548Met; replaces valine 548 with methionine.
Molecular consequence: missense variant.
Genome position (GRCh38, 1-based): chr9:115,086,089, C>T on the plus strand (G>A on the coding strand, the complement: TNC is on the minus strand). VCF-style: chr9-115086089-C-T. GRCh37 (hg19) VCF-style: chr9-117848368-C-T.
Other names: short protein forms V548M.
Identifiers: ClinVar variation 773512 (VCV000773512.34), dbSNP rs61729478, ClinGen allele CA5208758.
Genomic context (GRCh38, chr9:115,086,089, plus strand): 5'-GACAGTCACTGGGACATCTTTGCTCCTTGCAGTCTTTGCCCATAAATCCTTCATGGCACA[C>T]GCACTGCCCATTCACACAGCGACCCTGGCCATGGCAGTCATTTGGACAGGAGAGTTCTGC-3'
Protein context (NP_002151.2, residues 538-558): GQGRCVNGQC[Val548Met]CHEGFMGKDC